The following is an entry in ClinVar:

NM_181882.3(PRX):c.848T>G (p.Val283Gly)

Gene: PRX (periaxin; minus strand). Cytogenetic location: 19q13.2.
Variant type: single nucleotide variant.
Coding change: c.848T>G on transcript NM_181882.3 (MANE Select); coding-DNA position 848, T replaced by G.
Protein change: p.Val283Gly; replaces valine 283 with glycine.
Molecular consequence: missense variant. On other transcripts: 3 prime UTR variant (1).
Genome position (GRCh38, 1-based): chr19:40,397,504, A>C on the plus strand (T>G on the coding strand, the complement: PRX is on the minus strand). VCF-style: chr19-40397504-A-C. GRCh37 (hg19) VCF-style: chr19-40903411-A-C.
Other names: c.*1053T>G (NM_020956.2); short protein forms V283G.
Identifiers: ClinVar variation 476983 (VCV000476983.12), dbSNP rs776556523, ClinGen allele CA9444368.
Genomic context (GRCh38, chr19:40,397,504, plus strand): 5'-AGTGAGGGCAAGGCAGGCAGCTCCACCTGGGGGACCTGGATTCCCACGGCTGGGGCCTCC[A>C]CAGCAGGCGGAGCCGGGGCTCCGAGCCCAAGGGTTGGCAGGTGGAGGGCAAAGCCACCAG-3'
Protein context (NP_870998.2, residues 273-293): LGLGAPAPPA[Val283Gly]EAPAVGIQVP

ClinVar aggregate classification (germline): Uncertain significance. Review status: criteria provided, multiple submitters, no conflicts (2 of 4 stars). 3 submissions from 3 submitters: Uncertain significance (2). 1 of the submissions does not count toward it. Last evaluated 2022-05-01.

Conditions:
Charcot-Marie-Tooth disease. Also called: Charcot-Marie-Tooth Neuropathy; Charcot-Marie-Tooth Hereditary Neuropathy. Identifiers: Orphanet 166, MedGen C0007959, MONDO:0015626.
Charcot-Marie-Tooth disease type 4F. Also called: Charcot-Marie-Tooth disease, demyelinating, type 4F. Identifiers: Orphanet 99952, MedGen C3540453, MONDO:0013959, OMIM 614895.
Charcot-Marie-Tooth disease type 4. Also called: Charcot-Marie-Tooth, Type 4; Charcot-Marie-Tooth disease, type IV. Identifiers: Orphanet 64749, MedGen C4082197, MONDO:0018995.

Allele frequency attached by ClinVar (database versions not stated): gnomAD exomes 0.00003 and 0.00005; gnomAD 0.00005; TOPMed 0.00005; ExAC 0.00006.
gnomAD v4.1: 81 of 1,553,204 alleles (0.0052%); highest among the groups gnomAD compares: Non-Finnish European, 0.0068%; no homozygotes.

Submissions (3):

Labcorp Genetics (formerly Invitae), Labcorp
Classification: Uncertain significance for Charcot-Marie-Tooth disease type 4. Last evaluated: 2022-05-01. Review status: criteria provided, single submitter. Criteria: Invitae Variant Classification Sherloc (09022015). Collection method: clinical testing. Allele origin: germline.
Comment: This sequence change replaces valine, which is neutral and non-polar, with glycine, which is neutral and non-polar, at codon 283 of the PRX protein (p.Val283Gly). This variant is present in population databases (rs776556523, gnomAD 0.009%). This variant has not been reported in the literature in individuals affected with PRX-related conditions. ClinVar contains an entry for this variant (Variation ID: 476983). Algorithms developed to predict the effect of missense changes on protein structure and function are either unavailable or do not agree on the potential impact of this missense change (SIFT: "Deleterious"; PolyPhen-2: "Possibly Damaging"; Align-GVGD: "Class C0"). In summary, the available evidence is currently insufficient to determine the role of this variant in disease. Therefore, it has been classified as a Variant of Uncertain Significance.

GeneDx
Classification: Uncertain significance. Last evaluated: 2020-03-06. Review status: criteria provided, single submitter. Criteria: GeneDx Variant Classification Process June 2021. Collection method: clinical testing. Allele origin: germline. Affected: yes.
Comment: Not observed at a significant frequency in large population cohorts (Lek et al., 2016); In silico analysis supports that this missense variant has a deleterious effect on protein structure/function; Missense variant in a gene in which most reported pathogenic variants are truncating/loss-of-function; Has not been previously published as pathogenic or benign to our knowledge

Genesis Genome Database
Classification: Uncertain significance for Charcot-Marie-Tooth disease. Last evaluated: 2019-08-14. Review status: no assertion criteria provided. Collection method: research. Allele origin: germline. Affected: yes. Not counted in ClinVar's aggregate classification.